The following is an entry in ClinVar:

ClinVar aggregate classification (germline): Uncertain significance. Review status: criteria provided, multiple submitters, no conflicts (2 of 4 stars). 3 submissions from 3 submitters: Uncertain significance (3). Last evaluated 2026-01-05.

Conditions:
Ehlers-Danlos syndrome, classic type, 1 (EDSCL1). Also called: EHLERS-DANLOS SYNDROME, GRAVIS TYPE; EHLERS-DANLOS SYNDROME, SEVERE CLASSIC TYPE; Ehlers-Danlos syndrome, type 1; Ehlers-Danlos Syndrome, Classic Type, COL5A1-Related; EDS I. Identifiers: MedGen C0268335, MONDO:0019567, OMIM 130000.
Osteogenesis imperfecta type I (OI1). Also called: OI, TYPE I; OSTEOGENESIS IMPERFECTA TARDA; OSTEOGENESIS IMPERFECTA WITH BLUE SCLERAE; Osteogenesis imperfecta type 1; Lobstein's Disease; Lobstein disease. Identifiers: Orphanet 216796, Orphanet 666, MedGen C0023931, MONDO:0008146, OMIM 166200. Disease mechanism: loss of function.
Cardiovascular phenotype. Identifiers: MedGen CN230736.

Allele frequency attached by ClinVar (database versions not stated): TOPMed 0.00002; ExAC 0.00008; 1000 Genomes Project 0.00020; gnomAD exomes 0.00003; gnomAD 0.00002; 1000 Genomes Project 30x 0.00016.
gnomAD v4.1: 44 of 1,614,058 alleles (0.0027%); highest among the groups gnomAD compares: South Asian, 0.042%; no homozygotes.

Submissions (3):

Labcorp Genetics (formerly Invitae), Labcorp
Classification: Uncertain significance for Osteogenesis imperfecta type I; Ehlers-Danlos syndrome, classic type, 1. Last evaluated: 2026-01-05. Review status: criteria provided, single submitter. Criteria: Invitae Variant Classification Sherloc (09022015). Collection method: clinical testing. Allele origin: germline.
Comment: This sequence change replaces proline, which is neutral and non-polar, with threonine, which is neutral and polar, at codon 116 of the COL1A2 protein (p.Pro116Thr). This variant is present in population databases (rs532334520, gnomAD 0.06%). This variant has not been reported in the literature in individuals affected with COL1A2-related conditions. ClinVar contains an entry for this variant (Variation ID: 3230286). Invitae Evidence Modeling of protein sequence and biophysical properties (such as structural, functional, and spatial information, amino acid conservation, physicochemical variation, residue mobility, and thermodynamic stability) indicates that this missense variant is not expected to disrupt COL1A2 protein function with a negative predictive value of 80%. In summary, the available evidence is currently insufficient to determine the role of this variant in disease. Therefore, it has been classified as a Variant of Uncertain Significance.

Ambry Genetics
Classification: Uncertain significance for Cardiovascular phenotype. Last evaluated: 2024-02-26. Review status: criteria provided, single submitter. Criteria: Ambry Variant Classification Scheme 2023. Collection method: clinical testing. Allele origin: germline.
Comment: The p.P116T variant (also known as c.346C>A), located in coding exon 8 of the COL1A2 gene, results from a C to A substitution at nucleotide position 346. The proline at codon 116 is replaced by threonine, an amino acid with highly similar properties. This amino acid position is not well conserved in available vertebrate species. In addition, the in silico prediction for this alteration is inconclusive. Based on the available evidence, the clinical significance of this alteration remains unclear.

GeneDx
Classification: Uncertain significance. Last evaluated: 2024-02-14. Review status: criteria provided, single submitter. Criteria: GeneDx Variant Classification Process June 2021. Collection method: clinical testing. Allele origin: germline. Affected: yes.
Comment: In silico analysis supports that this missense variant has a deleterious effect on protein structure/function; Has not been previously published as pathogenic or benign to our knowledge; Occurs in the triple helical domain at the X position in the canonical Gly-X-Y repeat; although this variant may have an effect on normal protein folding and function, missense substitution at the X position is not a common mechanism of disease (HGMD)

NM_000089.4(COL1A2):c.346C>A (p.Pro116Thr)

Gene: COL1A2 (collagen type I alpha 2 chain; plus strand). Cytogenetic location: 7q21.3.
Variant type: single nucleotide variant.
Coding change: c.346C>A on transcript NM_000089.4 (MANE Select); coding-DNA position 346, C replaced by A.
Protein change: p.Pro116Thr; replaces proline 116 with threonine.
Molecular consequence: missense variant.
Genome position (GRCh38, 1-based): chr7:94,404,714, C>A. VCF-style: chr7-94404714-C-A. GRCh37 (hg19) VCF-style: chr7-94034026-C-A.
Other names: short protein forms P116T.
Identifiers: ClinVar variation 3230286 (VCV003230286.4), dbSNP rs532334520, ClinGen allele CA4346633.
Genomic context (GRCh38, chr7:94,404,714, plus strand): 5'-AATAAAGGCTTGGAGTATGACATTCTTTTTTTCTTTTAGGGCCCTCAAGGTTTCCAAGGA[C>A]CTGCTGGTGAGCCTGGTGAACCTGGTCAAACTGTGAGTACATTTTTCCACCTTTGTGATA-3'
Protein context (NP_000080.2, residues 106-126): GAPGPQGFQG[Pro116Thr]AGEPGEPGQT